The following is an entry in ClinVar:

ClinVar aggregate classification (germline): Uncertain significance (1 of 4 stars; one submission).

Conditions:
Cardiovascular phenotype. Identifiers: MedGen CN230736.

gnomAD v4.1: 14 of 1,552,384 alleles (0.0009%); highest among the groups gnomAD compares: Middle Eastern, 0.017%; no homozygotes.

Submission:

Ambry Genetics
Classification: Uncertain significance for Cardiovascular phenotype. Last evaluated: 2025-12-07. Review status: criteria provided, single submitter. Criteria: Ambry Variant Classification Scheme 2023. Collection method: clinical testing. Allele origin: germline.
Comment: The p.R233Q variant (also known as c.698G>A), located in coding exon 5 of the LMF1 gene, results from a G to A substitution at nucleotide position 698. The arginine at codon 233 is replaced by glutamine, an amino acid with highly similar properties. This amino acid position is conserved. In addition, this alteration is predicted to be tolerated by in silico analysis. Based on the available evidence, the clinical significance of this variant remains unclear.

NM_022773.4(LMF1):c.698G>A (p.Arg233Gln)

Gene: LMF1 (lipase maturation factor 1; minus strand). Cytogenetic location: 16p13.3.
Variant type: single nucleotide variant.
Coding change: c.698G>A on transcript NM_022773.4 (MANE Select); coding-DNA position 698, G replaced by A.
Protein change: p.Arg233Gln; replaces arginine 233 with glutamine.
Molecular consequence: missense variant. On other transcripts: non-coding transcript variant (1).
Genome position (GRCh38, 1-based): chr16:893,038, C>T on the plus strand (G>A on the coding strand, the complement: LMF1 is on the minus strand). VCF-style: chr16-893038-C-T. GRCh37 (hg19) VCF-style: chr16-943038-C-T.
Other names: c.47G>A, p.Arg16Gln (NM_001352017.2, NM_001352021.2); c.299G>A, p.Arg100Gln (NM_001352018.2); c.371G>A, p.Arg124Gln (NM_001352019.2); c.698G>A, p.Arg233Gln (NM_001352020.1); short protein forms R124Q, R100Q, R16Q, R233Q.
Identifiers: ClinVar variation 4614533 (VCV004614533.1).